The following is an entry in ClinVar:

NM_001040142.2(SCN2A):c.3485A>T (p.Glu1162Val)

Gene: SCN2A (sodium voltage-gated channel alpha subunit 2; plus strand). Cytogenetic location: 2q24.3.
Variant type: single nucleotide variant.
Coding change: c.3485A>T on transcript NM_001040142.2 (MANE Select); coding-DNA position 3485, A replaced by T.
Protein change: p.Glu1162Val; replaces glutamic acid 1162 with valine.
Molecular consequence: missense variant.
Genome position (GRCh38, 1-based): chr2:165,365,228, A>T. VCF-style: chr2-165365228-A-T. GRCh37 (hg19) VCF-style: chr2-166221738-A-T.
Other names: p.E1162V:GAG>GTG; c.3485A>T, p.Glu1162Val (NM_001040143.2, NM_001371246.1, NM_001371247.1 and 1 more transcripts); short protein forms E1162V.
Identifiers: ClinVar variation 206988 (VCV000206988.16), dbSNP rs201124054, ClinGen allele CA317930.

ClinVar aggregate classification (germline): Conflicting classifications of pathogenicity. Review status: criteria provided, conflicting classifications (1 of 4 stars). 4 submissions from 4 submitters: Uncertain significance (2); Likely benign (2). Last evaluated 2025-10-05.

Conditions:
Episodic ataxia, type 9. Identifiers: MedGen C5394520, MONDO:0030064, OMIM 618924.
Developmental and epileptic encephalopathy, 11 (DEE11). Also called: Early infantile epileptic encephalopathy 11. Identifiers: Orphanet 1934, MedGen C3150987, MONDO:0013388, OMIM 613721.
Seizures, benign familial infantile, 3 (BFIS3). Also called: CONVULSIONS, BENIGN FAMILIAL INFANTILE, 3; Familial neonatal seizures. Identifiers: Orphanet 140927, Orphanet 306, MedGen C1843140, MONDO:0011904, OMIM 607745.

Allele frequency attached by ClinVar (database versions not stated): gnomAD exomes 0.00004; gnomAD 0.00005 and 0.00006; ExAC 0.00006; TOPMed 0.00006; ESP Exome Variant Server 0.00023.
gnomAD v4.1: 57 of 1,613,958 alleles (0.0035%); highest among the groups gnomAD compares: Middle Eastern, 0.016%; no homozygotes.

Submissions (4):

Labcorp Genetics (formerly Invitae), Labcorp
Classification: Likely benign for Seizures, benign familial infantile, 3; Developmental and epileptic encephalopathy, 11. Last evaluated: 2025-10-05. Review status: criteria provided, single submitter. Criteria: Invitae Variant Classification Sherloc (09022015). Collection method: clinical testing. Allele origin: germline.

Blueprint Genetics
Classification: Likely benign. Last evaluated: 2023-07-26. Review status: criteria provided, single submitter. Criteria: ACMG Guidelines, 2015. Collection method: clinical testing. Allele origin: germline.

MGZ Medical Genetics Center
Classification: Uncertain significance for Episodic ataxia, type 9. Last evaluated: 2021-10-20. Review status: criteria provided, single submitter. Criteria: ACMG Guidelines, 2015. Collection method: clinical testing. Allele origin: germline. Affected: yes. Observed: 1 variant allele.
Comment: ACMG criteria applied: PM2_SUP, PP2, PP3

GeneDx
Classification: Uncertain significance. Last evaluated: 2015-11-16. Review status: criteria provided, single submitter. Criteria: GeneDx Variant Classification (06012015). Collection method: clinical testing. Allele origin: germline. Affected: yes.
Comment: p.Glu1162Val (GAG>GTG): c.3485 A>T in exon 18 of the SCN2A gene (NM_021007.2). The Glu1162Val missense change in SCN2A has not been published as a mutation, nor has it been reported as a benign polymorphism to our knowledge. The NHLBI ESP Exome Variant Project did not report Glu1162Val with a relevant allele frequency in approximately 5,000 individuals of European or African American ethnicity, indicating that it is not a common benign variant in these populations. Glu1162Val is a non-conservative substitution since a negatively charged Glutamic acid residue is replaced by a neutral, non-polar Valine residue. This substitution alters a highly conserved position in the intracellular loop between the second and third transmembrane domains of the protein, and different mutations in this loop have been published in association with benign familial neonatal-infantile seizures (BFNIS) and intractable childhood epilepsy (Shi et al., 2011). Multiple in silico algorithms predict that Glu1162Val is damaging to protein structure/function, although another classifies it as a likely benign change. Therefore, based on the currently available information, it is unclear whether Glu1162Val is a disease-causing mutation or a rare benign variant.The variant is found in CHILD-EPI panel(s).